The following is an entry in ClinVar:

NM_002150.3(HPD):c.468C>A (p.Phe156Leu)

Genes: HPD (4-hydroxyphenylpyruvate dioxygenase; minus strand), TIALD (transcript inducer of AURKA lysosomal degradation; plus strand). Cytogenetic location: 12q24.31.
Variant type: single nucleotide variant.
Coding change: c.468C>A on transcript NM_002150.3 (MANE Select); coding-DNA position 468, C replaced by A.
Protein change: p.Phe156Leu; replaces phenylalanine 156 with leucine.
Molecular consequence: missense variant.
Genome position (GRCh38, 1-based): chr12:121,849,737, G>T on the plus strand (C>A on the coding strand, the complement: HPD is on the minus strand). VCF-style: chr12-121849737-G-T. GRCh37 (hg19) VCF-style: chr12-122287643-G-T.
Other names: p.Phe156Leu; c.351C>A, p.Phe117Leu (NM_001171993.2); short protein forms F117L, F156L.
Identifiers: ClinVar variation 3380129 (VCV003380129.1).

ClinVar aggregate classification (germline): Uncertain significance (1 of 4 stars; one submission).

Submission:

Mayo Clinic Laboratories, Mayo Clinic
Classification: Uncertain significance. Last evaluated: 2024-06-03. Review status: criteria provided, single submitter. Criteria: ACMG Guidelines, 2015. Collection method: clinical testing. Allele origin: germline. Observed: 1 variant allele.
Comment: PM2